The following is an entry in ClinVar:

ClinVar aggregate classification (germline): Likely benign (1 of 4 stars; one submission).

Conditions:
Malignant hyperthermia, susceptibility to, 1 (MHS1). Also called: Anesthesia related hyperthermia; Malignant hyperpyrexia; Fulminating hyperpyrexia; Pharmacogenic myopathy; RYR1-Related Malignant Hyperthermia Susceptibility; Malignant hyperthermia suceptibility 1. Identifiers: Orphanet 423, MedGen C2930980, MONDO:0007783, OMIM 145600.

Allele frequency attached by ClinVar (database versions not stated): TOPMed below 0.00001; gnomAD 0.00001.

Submission:

All of Us Research Program, National Institutes of Health
Classification: Likely benign for Malignant hyperthermia, susceptibility to, 1. Last evaluated: 2023-09-17. Review status: criteria provided, single submitter. Criteria: ACMG Guidelines, 2015. Collection method: clinical testing. Allele origin: germline. Inheritance: Autosomal dominant inheritance. Observed: 1 variant allele, 1 heterozygote.
Comment: This study involves interpretation of variants in research participants for the purpose of population health screening. Participant phenotype was not available at the time of variant classification. Additional details can be found in publication PMID: 35346344, PMCID: PMC8962531

NM_000540.3(RYR1):c.4050G>A (p.Gly1350=)

Gene: RYR1 (ryanodine receptor 1; plus strand). Cytogenetic location: 19q13.2.
Variant type: single nucleotide variant.
Coding change: c.4050G>A on transcript NM_000540.3 (MANE Select); coding-DNA position 4050, G replaced by A.
Protein change: p.Gly1350=; no amino-acid change (glycine 1350 retained).
Molecular consequence: synonymous variant.
Genome position (GRCh38, 1-based): chr19:38,473,661, G>A. VCF-style: chr19-38473661-G-A. GRCh37 (hg19) VCF-style: chr19-38964301-G-A.
Other names: c.4050G>A, p.Gly1350= (NM_001042723.2).
Identifiers: ClinVar variation 3073379 (VCV003073379.1), dbSNP rs1473562392, ClinGen allele CA507353201.